The following is an entry in ClinVar:

ClinVar aggregate classification (germline): Pathogenic (1 of 4 stars; one submission).

Conditions:
Inborn genetic diseases. Identifiers: MedGen C0950123, MeSH D030342.

Submission:

Ambry Genetics
Classification: Pathogenic for Inborn genetic diseases. Last evaluated: 2025-04-11. Review status: criteria provided, single submitter. Criteria: Ambry Variant Classification Scheme 2023. Collection method: clinical testing. Allele origin: germline.
Comment: The c.1039G>T (p.E347*) alteration, located in exon 10 (coding exon 10) of the ASXL3 gene, consists of a G to T substitution at nucleotide position 1039. This changes the amino acid from a glutamic acid (E) to a stop codon at amino acid position 347. This alteration is expected to result in loss of function by premature protein truncation or nonsense-mediated mRNA decay. This variant was not reported in population-based cohorts in the Genome Aggregation Database (gnomAD). Based on the available evidence, this alteration is classified as pathogenic.

NM_030632.3(ASXL3):c.1039G>T (p.Glu347Ter)

Gene: ASXL3 (ASXL transcriptional regulator 3; plus strand). Cytogenetic location: 18q12.1.
Variant type: single nucleotide variant.
Coding change: c.1039G>T on transcript NM_030632.3 (MANE Select); coding-DNA position 1039, G replaced by T.
Protein change: p.Glu347Ter; replaces glutamic acid 347 with a stop codon.
Molecular consequence: nonsense.
Genome position (GRCh38, 1-based): chr18:33,734,372, G>T. VCF-style: chr18-33734372-G-T. GRCh37 (hg19) VCF-style: chr18-31314336-G-T.
Other names: short protein forms E347*.
Identifiers: ClinVar variation 3958411 (VCV003958411.1).